The following is an entry in ClinVar:

NM_001367624.2(ZNF469):c.3058G>A (p.Glu1020Lys)

Gene: ZNF469 (zinc finger protein 469; plus strand). Cytogenetic location: 16q24.2.
Variant type: single nucleotide variant.
Coding change: c.3058G>A on transcript NM_001367624.2 (MANE Select); coding-DNA position 3058, G replaced by A.
Protein change: p.Glu1020Lys; replaces glutamic acid 1020 with lysine.
Molecular consequence: missense variant.
Genome position (GRCh38, 1-based): chr16:88,430,528, G>A. VCF-style: chr16-88430528-G-A. GRCh37 (hg19) VCF-style: chr16-88496936-G-A.
Other names: NM_001127464.1:c.3058G>A; short protein forms E1020K.
Identifiers: ClinVar variation 3767456 (VCV003767456.1).

ClinVar aggregate classification (germline): Uncertain significance (1 of 4 stars; one submission).

gnomAD v4.1: 3 of 1,458,224 alleles (0.00021%); highest among the groups gnomAD compares: Non-Finnish European, 0.00027%; no homozygotes.

Submission:

GeneDx
Classification: Uncertain significance. Last evaluated: 2024-09-10. Review status: criteria provided, single submitter. Criteria: GeneDx Variant Classification Process June 2021. Collection method: clinical testing. Allele origin: germline. Affected: yes.
Comment: Not observed at significant frequency in large population cohorts (gnomAD); In silico analysis indicates that this missense variant does not alter protein structure/function; Has not been previously published as pathogenic or benign to our knowledge